The following is an entry in ClinVar:

ClinVar aggregate classification (germline): Uncertain significance. Review status: criteria provided, multiple submitters, no conflicts (2 of 4 stars). 2 submissions from 2 submitters: Uncertain significance (2). Last evaluated 2025-09-09.

Conditions:
Hereditary cancer-predisposing syndrome. Also called: Neoplastic Syndromes, Hereditary; Tumor predisposition; Hereditary neoplastic syndrome; Hereditary Cancer Syndrome. Identifiers: Orphanet 140162, MedGen C0027672, MeSH D009386, MONDO:0015356.
Gorlin syndrome. Also called: Basal cell nevus syndrome; Nevoid Basal Cell Carcinoma Syndrome. Identifiers: Orphanet 377, MedGen C0004779, MONDO:0007187.

Submissions (2):

Ambry Genetics
Classification: Uncertain significance for Hereditary cancer-predisposing syndrome. Last evaluated: 2025-09-09. Review status: criteria provided, single submitter. Criteria: Ambry Variant Classification Scheme 2023. Collection method: clinical testing. Allele origin: germline.
Comment: The p.R786S variant (also known as c.2358A>C), located in coding exon 15 of the PTCH1 gene, results from an A to C substitution at nucleotide position 2358. The arginine at codon 786 is replaced by serine, an amino acid with dissimilar properties. This amino acid position is conserved. In addition, this alteration is predicted to be tolerated by in silico analysis. Based on the available evidence, the clinical significance of this variant remains unclear.

Labcorp Genetics (formerly Invitae), Labcorp
Classification: Uncertain significance for Gorlin syndrome. Last evaluated: 2023-02-01. Review status: criteria provided, single submitter. Criteria: Invitae Variant Classification Sherloc (09022015). Collection method: clinical testing. Allele origin: germline.
Comment: In summary, the available evidence is currently insufficient to determine the role of this variant in disease. Therefore, it has been classified as a Variant of Uncertain Significance. Advanced modeling of protein sequence and biophysical properties (such as structural, functional, and spatial information, amino acid conservation, physicochemical variation, residue mobility, and thermodynamic stability) performed at Invitae indicates that this missense variant is not expected to disrupt PTCH1 protein function. ClinVar contains an entry for this variant (Variation ID: 1790093). This variant has not been reported in the literature in individuals affected with PTCH1-related conditions. This variant is not present in population databases (gnomAD no frequency). This sequence change replaces arginine, which is basic and polar, with serine, which is neutral and polar, at codon 786 of the PTCH1 protein (p.Arg786Ser).

NM_000264.5(PTCH1):c.2358A>C (p.Arg786Ser)

Genes: PTCH1 (patched 1; minus strand), LOC100507346 (uncharacterized LOC100507346; plus strand). Cytogenetic location: 9q22.32.
Variant type: single nucleotide variant.
Coding change: c.2358A>C on transcript NM_000264.5 (MANE Select); coding-DNA position 2358, A replaced by C.
Protein change: p.Arg786Ser; replaces arginine 786 with serine.
Molecular consequence: missense variant.
Genome position (GRCh38, 1-based): chr9:95,467,318, T>G on the plus strand (A>C on the coding strand, the complement: PTCH1 is on the minus strand). VCF-style: chr9-95467318-T-G. GRCh37 (hg19) VCF-style: chr9-98229600-T-G.
Other names: c.2160A>C, p.Arg720Ser (NM_001083602.3); c.2355A>C, p.Arg785Ser (NM_001083603.3); c.1905A>C, p.Arg635Ser (NM_001083604.3, NM_001083605.3, NM_001083606.3 and 1 more transcripts); c.2202A>C, p.Arg734Ser (NM_001354918.2); short protein forms R785S, R786S, R720S, R635S, R734S.
Identifiers: ClinVar variation 1790093 (VCV001790093.6), dbSNP rs2117967552, ClinGen allele CA374114498.